The following is an entry in ClinVar:

NM_080425.4(GNAS):c.1307C>A (p.Ala436Asp)

Gene: GNAS (GNAS complex locus; plus strand). Cytogenetic location: 20q13.32.
Variant type: single nucleotide variant.
Coding change: c.1307C>A on transcript NM_080425.4 (MANE Plus Clinical); coding-DNA position 1307, C replaced by A.
Protein change: p.Ala436Asp; replaces alanine 436 with aspartic acid.
Molecular consequence: missense variant. On other transcripts: intron variant (3).
Genome position (GRCh38, 1-based): chr20:58,854,572, C>A. VCF-style: chr20-58854572-C-A. GRCh37 (hg19) VCF-style: chr20-57429627-C-A.
Other names: c.1120C>A, p.Pro374Thr (NM_001077490.3, NM_001309883.1); c.1307C>A, p.Ala436Asp (NM_001410913.1); c.*42+13686C>A (NM_016592.5); c.43+13686C>A (NM_001410912.1); c.-39+12697C>A (NM_001309861.2); short protein forms P374T, A436D.
Identifiers: ClinVar variation 134479 (VCV000134479.14), dbSNP rs61749698, ClinGen allele CA159934.

ClinVar aggregate classification (germline): Benign. Review status: criteria provided, multiple submitters, no conflicts (2 of 4 stars). 7 submissions from 7 submitters: Benign (4). 3 of the submissions do not count toward it. Last evaluated 2021-12-21.

Conditions:
McCune-Albright syndrome (MAS). Also called: Albright's disease; ALBRIGHT SYNDROME; McCune-Albright syndrome, somatic, mosaic; Albright's Syndrome; Fibrous Dysplasia / McCune-Albright Syndrome. Identifiers: Orphanet 562, MedGen C0242292, MONDO:0018919, OMIM 174800.
Pseudohypoparathyroidism type 1B (PHP1B). Also called: PHP IB; Pseudohypoparathyroidism Type IB; Pseudohypoparathyroidism Ib (PHP-Ib). Identifiers: Orphanet 94089, MedGen C1864100, MONDO:0011301, OMIM 603233.
Pseudopseudohypoparathyroidism (PPHP). Also called: Pseudopseudohypoparathyroidism (PPHP); ALBRIGHT HEREDITARY OSTEODYSTROPHY WITHOUT MULTIPLE HORMONE RESISTANCE. Identifiers: Orphanet 79445, MedGen C0033835, MONDO:0012912, OMIM 612463.
Progressive osseous heteroplasia (POH). Also called: Osseus Heteroplasia, Progressive; Osteoma cutis; Progressive Osseus Heteroplasia (POH); ECTOPIC OSSIFICATION, FAMILIAL. Identifiers: Orphanet 2762, MedGen C0334041, MONDO:0008153, OMIM 166350, HP:0025027.
ACTH-independent macronodular adrenal hyperplasia 1 (AIMAH1). Also called: ACTH-INDEPENDENT MACRONODULAR ADRENOCORTICAL HYPERPLASIA; ADRENOCORTICOTROPIC HORMONE-INDEPENDENT MACRONODULAR ADRENAL HYPERPLASIA; ACTH-independent macronodular adrenal hyperplasia, somatic; CORTICOTROPIN-INDEPENDENT MACRONODULAR ADRENAL HYPERPLASIA; CUSHING SYNDROME, ADRENAL, DUE TO AIMAH. Identifiers: MedGen C1857451, MONDO:0020735, OMIM 219080.
Pseudohypoparathyroidism type I A (PHP1A). Also called: Pseudohypoparathyroidism Type IA; PHP IA; Pseudohypoparathyroidism type 1A; ALBRIGHT HEREDITARY OSTEODYSTROPHY WITH MULTIPLE HORMONE RESISTANCE; Pseudohypoparathyroidism Ia (PHP-Ia). Identifiers: Orphanet 79443, MedGen C3494506, MONDO:0007078, OMIM 103580.
Pseudohypoparathyroidism type 1C (PHP1C). Also called: PHP IC; Pseudohypoparathyroidism Ic (PHP-Ic); PSEUDOHYPOPARATHYROIDISM, TYPE IC. Identifiers: Orphanet 79444, MedGen C2932716, MONDO:0012911, OMIM 612462.
Pituitary adenoma 3, multiple types. Also called: PITUITARY ADENOMA 3, ACTH-SECRETING, SOMATIC; PITUITARY ADENOMA 3, GROWTH HORMONE-SECRETING, SOMATIC. Identifiers: MedGen C4540135, MONDO:0054665, OMIM 617686.

Allele frequency attached by ClinVar (database versions not stated): gnomAD 0.07320 and 0.07665; 1000 Genomes Project 0.07808; gnomAD exomes 0.02612; ExAC 0.02306.
gnomAD v4.1: 47,622 of 1,534,760 alleles (3.1%); highest among the groups gnomAD compares: African/African-American, 19%; 1,835 homozygotes.

Submissions (7):

Fulgent Genetics
Classification: Benign for Pseudohypoparathyroidism type I A; Progressive osseous heteroplasia; McCune-Albright syndrome; ACTH-independent macronodular adrenal hyperplasia 1; Pseudohypoparathyroidism type 1B; Pseudohypoparathyroidism type 1C; Pseudopseudohypoparathyroidism; Pituitary adenoma 3, multiple types. Last evaluated: 2021-12-21. Review status: criteria provided, single submitter. Criteria: ACMG Guidelines, 2015. Collection method: clinical testing. Allele origin: unknown.

Labcorp Genetics (formerly Invitae), Labcorp
Classification: Benign. Last evaluated: 2019-12-31. Review status: criteria provided, single submitter. Criteria: Invitae Variant Classification Sherloc (09022015). Collection method: clinical testing. Allele origin: germline.

GeneDx
Classification: Benign. Last evaluated: 2018-11-05. Review status: criteria provided, single submitter. Criteria: GeneDx Variant Classification Process June 2021. Collection method: clinical testing. Allele origin: germline. Affected: yes.

Breakthrough Genomics
Classification: Benign. Review status: criteria provided, single submitter. Criteria: ACMG Guidelines, 2015. Collection method: not provided. Allele origin: germline. Inheritance: Autosomal dominant inheritance. Affected: yes.

ITMI
No classification provided. Condition: AllHighlyPenetrant. Last evaluated: 2013-09-19. Review status: no classification provided. Collection method: reference population. Allele origin: germline. Not counted in ClinVar's aggregate classification.
Comment: Please see associated publication for description of ethnicities

Clinical Genetics, Academic Medical Center
Classification: Likely benign. Review status: no assertion criteria provided. Collection method: clinical testing. Allele origin: germline. Affected: yes. Study: VKGL Data-share Consensus. Not counted in ClinVar's aggregate classification.

Laboratory of Diagnostic Genome Analysis, Leiden University Medical Center (LUMC)
Classification: Likely benign. Review status: no assertion criteria provided. Collection method: clinical testing. Allele origin: germline. Affected: yes. Study: VKGL Data-share Consensus. Not counted in ClinVar's aggregate classification.

Literature cited by the submitters: PubMed 24728327 (cited by ITMI).